The following is an entry in ClinVar:

NC_012920.1(MT-TG):m.9997T>A

Gene: MT-TG (mitochondrially encoded tRNA glycine; plus strand).
Variant type: single nucleotide variant.
Genome position: chrM-9997-T-A.
Identifiers: ClinVar variation 690090 (VCV000690090.2), dbSNP rs121434475, ClinGen allele CA913182452.

ClinVar aggregate classification (germline): Uncertain significance. Review status: reviewed by expert panel (3 of 4 stars). 2 submissions from 2 submitters: Uncertain significance (1). 1 of the submissions does not count toward it. Last evaluated 2024-07-22.

Conditions:
MELAS syndrome (MELAS). Also called: Juvenile myopathy, encephalopathy, lactic acidosis, stroke. Identifiers: Orphanet 550, MedGen C0162671, MONDO:0010789, OMIM 540000.
Mitochondrial disease. Also called: Mitochondrial disorder; Mitochondrial disorders. Identifiers: Orphanet 68380, MedGen C0751651, MeSH D028361, MONDO:0044970.

Submissions (2):

ClinGen Mitochondrial Disease Nuclear and Mitochondrial  Variant Curation Expert Panel, ClinGen
Classification: Uncertain significance for Mitochondrial disease. Last evaluated: 2024-07-22. Review status: reviewed by expert panel. Criteria: clingen mito disease acmg specifications v1-1. Collection method: curation. Allele origin: germline. Inheritance: Mitochondrial inheritance.
Comment: The m.9997T>A variant in MT-TG has been reported in one individual to date, however clinical details were not provided (PMID: 31965079). Similarly, there is no available information on segregation in family members or de novo status. It is possible this individual was reported in a poster abstract submitted by Roggenbuck et al., 2016, but this has not been confirmed. Respiratory chain enzyme testing on muscle showed low cytochrome c oxidase activity but exact values were not provided. The variant was reported to be present at homoplasmy in the proband and was also reported in other maternal family members with varying clinical features, however details were not provided. This variant is absent in the GenBank dataset, Helix dataset, and gnomAD v3.1.2 (PM2_supporting). There are no cybrids, single fiber studies, or other functional assays reported on this variant. The computational predictor MitoTIP suggests this variant is deleterious (95.2 percentile) and HmtVAR predicts it to be deleterious with a score of 0.35 (PP3). In summary, this variant meets criteria to be classified as uncertain significance for primary mitochondrial disease inherited in a mitochondrial manner. This classification was approved by the NICHD/NINDS U24 ClinGen Mitochondrial Disease Variant Curation Expert Panel on July 22, 2024. Mitochondrial DNA-specific ACMG/AMP criteria applied (PMID: 32906214): PM2_supporting, PP3.

Wong Mito Lab, Molecular and Human Genetics, Baylor College of Medicine
Classification: Likely pathogenic for MELAS syndrome. Last evaluated: 2019-07-12. Review status: criteria provided, single submitter. Criteria: Modified ACMG Guidelines (Unpublished). Collection method: clinical testing. Allele origin: germline. Not counted in ClinVar's aggregate classification.
Comment: The NC_012920.1:m.9997T>A variant in MT-TG gene is interpreted to be a Likely Pathogenic variant based on the modified ACMG guidelines (unpublished). This variant meets the following evidence codes reported in the guidelines: PM5, PM7, PM9, PM10

Literature cited by the submitters: PubMed 31965079 (cited by Wong Mito Lab, Molecular and Human Genetics, Baylor College of Medicine); PubMed 15070938 (cited by Wong Mito Lab, Molecular and Human Genetics, Baylor College of Medicine).